The following is an entry in ClinVar:

NM_001276270.2(MBD4):c.1586A>G (p.His529Arg)

Gene: MBD4 (methyl-CpG binding domain 4, DNA glycosylase; minus strand). Cytogenetic location: 3q21.3.
Variant type: single nucleotide variant.
Coding change: c.1586A>G on transcript NM_001276270.2 (MANE Select); coding-DNA position 1586, A replaced by G.
Protein change: p.His529Arg; replaces histidine 529 with arginine.
Molecular consequence: missense variant.
Genome position (GRCh38, 1-based): chr3:129,432,564, T>C on the plus strand (A>G on the coding strand, the complement: MBD4 is on the minus strand). VCF-style: chr3-129432564-T-C. GRCh37 (hg19) VCF-style: chr3-129151407-T-C.
Other names: c.1604A>G, p.His535Arg (NM_001276271.2, NM_001276272.2, NM_003925.3); c.650A>G, p.His217Arg (NM_001276273.2); short protein forms H529R, H217R, H535R.
Identifiers: ClinVar variation 2791345 (VCV002791345.4), dbSNP rs1233444470, ClinGen allele CA354464970.

ClinVar aggregate classification (germline): Uncertain significance. Review status: criteria provided, multiple submitters, no conflicts (2 of 4 stars). 2 submissions from 2 submitters: Uncertain significance (2). Last evaluated 2026-01-27.

Conditions:
Inborn genetic diseases. Identifiers: MedGen C0950123, MeSH D030342.

Allele frequency attached by ClinVar (database versions not stated): gnomAD 0.00001; gnomAD exomes 0.00001.
gnomAD v4.1: 14 of 1,613,952 alleles (0.00087%); highest among the groups gnomAD compares: East Asian, 0.02%; no homozygotes.

Submissions (2):

Labcorp Genetics (formerly Invitae), Labcorp
Classification: Uncertain significance. Last evaluated: 2026-01-27. Review status: criteria provided, single submitter. Criteria: Invitae Variant Classification Sherloc (09022015). Collection method: clinical testing. Allele origin: germline.
Comment: This sequence change replaces histidine, which is basic and polar, with arginine, which is basic and polar, at codon 535 of the MBD4 protein (p.His535Arg). This variant is present in population databases (no rsID available, gnomAD 0.007%). This variant has not been reported in the literature in individuals affected with MBD4-related conditions. ClinVar contains an entry for this variant (Variation ID: 2791345). An algorithm developed to predict the effect of missense changes on protein structure and function (PolyPhen-2) suggests that this variant is likely to be disruptive. In summary, the available evidence is currently insufficient to determine the role of this variant in disease. Therefore, it has been classified as a Variant of Uncertain Significance.

Ambry Genetics
Classification: Uncertain significance for Inborn genetic diseases. Last evaluated: 2025-10-07. Review status: criteria provided, single submitter. Criteria: Ambry Variant Classification Scheme 2023. Collection method: clinical testing. Allele origin: germline.
Comment: The p.H529R variant (also known as c.1586A>G), located in coding exon 7 of the MBD4 gene, results from an A to G substitution at nucleotide position 1586. The histidine at codon 529 is replaced by arginine, an amino acid with highly similar properties. This amino acid position is conserved. In addition, this alteration is predicted to be deleterious by in silico analysis. Based on the available evidence, the clinical significance of this variant remains unclear.